The following is an entry in ClinVar:

ClinVar aggregate classification (germline): Uncertain significance. Review status: reviewed by expert panel (3 of 4 stars). 4 submissions from 4 submitters: Uncertain significance (1). 3 of the submissions do not count toward it. Last evaluated 2024-07-11.

Conditions:
Inborn genetic diseases. Identifiers: MedGen C0950123, MeSH D030342.
Hereditary thrombocytopenia and hematological cancer predisposition syndrome associated with RUNX1. Also called: Familial thrombocytopenia with propensity to acute myelogenous leukemia; PLATELET DISORDER, ASPIRIN-LIKE; RUNX1 Familial Platelet Disorder with Associated Myeloid Malignancies; Familial Platelet Disorder with Propensity to Acute Myelogenous Leukemia. Identifiers: Orphanet 71290, MedGen C1832388, MeSH C563324, MONDO:0100083, OMIM 601399.
Hereditary thrombocytopenia and hematologic cancer predisposition syndrome. Identifiers: Orphanet 71290, MedGen CN281654, MONDO:0011071.

Submissions (4):

ClinGen Myeloid Malignancy Variant Curation Expert Panel
Classification: Uncertain significance for Hereditary thrombocytopenia and hematologic cancer predisposition syndrome. Last evaluated: 2024-07-11. Review status: reviewed by expert panel. Criteria: ClinGen MyeloMalig ACMG Specifications v2. Collection method: curation. Allele origin: germline. Inheritance: Autosomal dominant inheritance.
Comment: NM_001754.5(RUNX1):c.617A>G (p.His206Arg) is a missense variant which is completely absent from all population databases with at least 20x coverage for RUNX1. In summary, the clinical significance of this variant is uncertain (PM2_supporting). ACMG/AMP criteria applied, as specified by the Myeloid Malignancy Variant Curation Expert Panel for RUNX1: PM2_supporting

Ambry Genetics
Classification: Uncertain significance for Inborn genetic diseases. Last evaluated: 2024-12-22. Review status: criteria provided, single submitter. Criteria: Ambry Variant Classification Scheme 2023. Collection method: clinical testing. Allele origin: germline. Not counted in ClinVar's aggregate classification.
Comment: The p.H206R variant (also known as c.617A>G), located in coding exon 6 of the RUNX1 gene, results from an A to G substitution at nucleotide position 617. The histidine at codon 206 is replaced by arginine, an amino acid with highly similar properties. This amino acid position is conserved. In addition, the in silico prediction for this alteration is inconclusive. Based on the available evidence, the clinical significance of this variant remains unclear.

Labcorp Genetics (formerly Invitae), Labcorp
Classification: Uncertain significance for Hereditary thrombocytopenia and hematological cancer predisposition syndrome associated with RUNX1. Last evaluated: 2023-05-02. Review status: criteria provided, single submitter. Criteria: Invitae Variant Classification Sherloc (09022015). Collection method: clinical testing. Allele origin: germline. Not counted in ClinVar's aggregate classification.
Comment: This sequence change replaces histidine, which is basic and polar, with arginine, which is basic and polar, at codon 206 of the RUNX1 protein (p.His206Arg). This variant is not present in population databases (gnomAD no frequency). This variant has not been reported in the literature in individuals affected with RUNX1-related conditions. ClinVar contains an entry for this variant (Variation ID: 1016458). Advanced modeling of protein sequence and biophysical properties (such as structural, functional, and spatial information, amino acid conservation, physicochemical variation, residue mobility, and thermodynamic stability) has been performed at Invitae for this missense variant, however the output from this modeling did not meet the statistical confidence thresholds required to predict the impact of this variant on RUNX1 protein function. In summary, the available evidence is currently insufficient to determine the role of this variant in disease. Therefore, it has been classified as a Variant of Uncertain Significance.

ISTH-SSC Genomics in Thrombosis and Hemostasis, KU Leuven, Center for Molecular and Vascular Biology
Classification: Uncertain significance for Hereditary thrombocytopenia and hematological cancer predisposition syndrome associated with RUNX1. Review status: no assertion criteria provided. Collection method: research. Allele origin: unknown. Affected: yes. Not counted in ClinVar's aggregate classification.
Comment: Submitted to GoldVariant by Dr Karyn Mégy from NIHR Bioresource - Cambridge University, UK

NM_001754.5(RUNX1):c.617A>G (p.His206Arg)

Gene: RUNX1 (RUNX family transcription factor 1; minus strand). Cytogenetic location: 21q22.12.
Variant type: single nucleotide variant.
Coding change: c.617A>G on transcript NM_001754.5 (MANE Select); coding-DNA position 617, A replaced by G.
Protein change: p.His206Arg; replaces histidine 206 with arginine.
Molecular consequence: missense variant.
Genome position (GRCh38, 1-based): chr21:34,834,598, T>C on the plus strand (A>G on the coding strand, the complement: RUNX1 is on the minus strand). VCF-style: chr21-34834598-T-C. GRCh37 (hg19) VCF-style: chr21-36206895-T-C.
Other names: NM_001754.5(RUNX1):c.617A>G; p.His206Arg; c.536A>G, p.His179Arg (NM_001001890.3, NM_001122607.2); short protein forms H179R, H206R.
Identifiers: ClinVar variation 1016458 (VCV001016458.9), dbSNP rs2057115881, ClinGen allele CA410207216.